The following is an entry in ClinVar:

ClinVar aggregate classification (germline): Uncertain significance (1 of 4 stars; one submission).

Conditions:
Inborn genetic diseases. Identifiers: MedGen C0950123, MeSH D030342.

Submission:

Ambry Genetics
Classification: Uncertain significance for Inborn genetic diseases. Last evaluated: 2021-10-07. Review status: criteria provided, single submitter. Criteria: Ambry Variant Classification Scheme 2023. Collection method: clinical testing. Allele origin: germline.
Comment: The p.L292P variant (also known as c.875T>C), located in coding exon 10 of the ERCC2 gene, results from a T to C substitution at nucleotide position 875. The leucine at codon 292 is replaced by proline, an amino acid with similar properties. This amino acid position is conserved. In addition, this alteration is predicted to be deleterious by in silico analysis. Since supporting evidence is limited at this time, the clinical significance of this alteration remains unclear.

NM_000400.4(ERCC2):c.875T>C (p.Leu292Pro)

Gene: ERCC2 (ERCC excision repair 2, TFIIH core complex helicase subunit; minus strand). Cytogenetic location: 19q13.32.
Variant type: single nucleotide variant.
Coding change: c.875T>C on transcript NM_000400.4 (MANE Select); coding-DNA position 875, T replaced by C.
Protein change: p.Leu292Pro; replaces leucine 292 with proline.
Molecular consequence: missense variant.
Genome position (GRCh38, 1-based): chr19:45,364,060, A>G on the plus strand (T>C on the coding strand, the complement: ERCC2 is on the minus strand). VCF-style: chr19-45364060-A-G. GRCh37 (hg19) VCF-style: chr19-45867318-A-G.
Other names: c.803T>C, p.Leu268Pro (NM_001130867.2); short protein forms L268P, L292P.
Identifiers: ClinVar variation 1764575 (VCV001764575.2), dbSNP rs2123288180, ClinGen allele CA406373596.